The following is an entry in ClinVar:

ClinVar aggregate classification (germline): Likely pathogenic (1 of 4 stars; one submission).

Conditions:
Congenital disorder of glycosylation, type iit. Also called: CDG IIt. Identifiers: MedGen C5394387, MONDO:0030043, OMIM 618885.

Submission:

Variantyx, Inc.
Classification: Likely pathogenic for Congenital disorder of glycosylation, type iit. Last evaluated: 2026-01-21. Review status: criteria provided, single submitter. Criteria: Variantyx Assertion Criteria 2022. Collection method: clinical testing. Allele origin: germline. Inheritance: Autosomal recessive inheritance. Affected: yes.
Comment: This is a nonsense variant in the GALNT2 gene (OMIM: 602274). Pathogenic variants in this gene have been asssociated with autosomal recessive congenital disorder of glycosylation type IIt. This variant introduces a premature termination codon in exon 7 out of 16 and is expected to result in loss of function, which is a known disease mechanism for GALNT2 in this disorder (PMID: 32293671)(PVS1). This variant is absent from control populations (PM2) and it has not been reported in individuals with GALNT2-related disorders in the databases available for review. Based on the current evidence, this variant is classified as likely pathogenic for autosomal recessive congenital disorder of glycosylation type IIt.

Literature cited by the submitters: PubMed 32293671.

NM_004481.5(GALNT2):c.691G>T (p.Glu231Ter)

Gene: GALNT2 (polypeptide N-acetylgalactosaminyltransferase 2; plus strand). Cytogenetic location: 1q42.13.
Variant type: single nucleotide variant.
Coding change: c.691G>T on transcript NM_004481.5 (MANE Select); coding-DNA position 691, G replaced by T.
Protein change: p.Glu231Ter; replaces glutamic acid 231 with a stop codon.
Molecular consequence: nonsense.
Genome position (GRCh38, 1-based): chr1:230,243,389, G>T. VCF-style: chr1-230243389-G-T. GRCh37 (hg19) VCF-style: chr1-230379135-G-T.
Other names: c.577G>T, p.Glu193Ter (NM_001291866.2); short protein forms E193*, E231*.
Identifiers: ClinVar variation 4813785 (VCV004813785.1).